The following is an entry in ClinVar:

ClinVar aggregate classification (germline): Benign (1 of 4 stars; one submission).

Allele frequency attached by ClinVar (database versions not stated): 1000 Genomes Project 0.24181; 1000 Genomes Project 30x 0.24625; TOPMed 0.28269; gnomAD 0.28436 and 0.29570.
gnomAD v4.1: 43,031 of 152,138 alleles (28%); highest among the groups gnomAD compares: African/African-American, 49%; 7,588 homozygotes.

Submission:

GeneDx
Classification: Benign. Last evaluated: 2018-06-14. Review status: criteria provided, single submitter. Criteria: GeneDx Variant Classification (06012015). Collection method: clinical testing. Allele origin: germline. Affected: yes.
Comment: This variant is considered likely benign or benign based on one or more of the following criteria: it is a conservative change, it occurs at a poorly conserved position in the protein, it is predicted to be benign by multiple in silico algorithms, and/or has population frequency not consistent with disease.

NM_001128126.3(AP4S1):c.306+3930T>G

Gene: AP4S1 (adaptor related protein complex 4 subunit sigma 1; plus strand). Cytogenetic location: 14q12.
Variant type: single nucleotide variant.
Coding change: c.306+3930T>G on transcript NM_001128126.3 (MANE Select); 3930 bases into the intron after coding-DNA position 306, T replaced by G.
Molecular consequence: intron variant.
Genome position (GRCh38, 1-based): chr14:31,084,514, T>G. VCF-style: chr14-31084514-T-G. GRCh37 (hg19) VCF-style: chr14-31553720-T-G.
Other names: c.306+3930T>G (NM_001254729.2, NM_001254728.2); c.*39-255T>G (NM_001254727.2); c.367-255T>G (NM_007077.5); c.295-255T>G (NM_001254726.2).
Identifiers: ClinVar variation 667985 (VCV000667985.1), dbSNP rs7157080, ClinGen allele CA13955681.